The following is an entry in ClinVar:

NM_000135.4(FANCA):c.4190C>T (p.Thr1397Ile)

Genes: FANCA (FA complementation group A; minus strand), ZNF276 (zinc finger protein 276; plus strand). Cytogenetic location: 16q24.3.
Variant type: single nucleotide variant.
Coding change: c.4190C>T on transcript NM_000135.4 (MANE Select); coding-DNA position 4190, C replaced by T.
Protein change: p.Thr1397Ile; replaces threonine 1397 with isoleucine.
Molecular consequence: missense variant. On other transcripts: synonymous variant (1), 3 prime UTR variant (2), non-coding transcript variant (4).
Genome position (GRCh38, 1-based): chr16:89,738,952, G>A on the plus strand (C>T on the coding strand, the complement: FANCA is on the minus strand). VCF-style: chr16-89738952-G-A. GRCh37 (hg19) VCF-style: chr16-89805360-G-A.
Other names: c.4194C>T, p.Asn1398= (NM_001286167.3); c.*706G>A (NM_001113525.2, NM_152287.4); short protein forms T1397I.
Identifiers: ClinVar variation 4883258 (VCV004883258.2).

ClinVar aggregate classification (germline): Uncertain significance (1 of 4 stars; one submission).

gnomAD v4.1: 1 of 1,614,258 alleles (0.000062%); highest among the groups gnomAD compares: Non-Finnish European, 0.000085%; no homozygotes.

Submission:

Dasa
Classification: Uncertain significance. Last evaluated: 2024-12-27. Review status: criteria provided, single submitter. Criteria: DASA Assertion Criteria. Collection method: clinical testing. Allele origin: germline.
Comment: NM_000135.4(FANCA):c.4190C>T (p.Thr1397Ile) is a missense variant that results in the substitution of threonine with isoleucine. This variant is rare in population databases. The currently available literature and clinical evidence are not sufficient to establish a definitive association between this variant and the reported condition. Therefore, this variant is classified as a variant of uncertain significance.